The following is an entry in ClinVar:

NM_001267550.2(TTN):c.47422_47424delinsTCTATCAGGTGGG (p.Ala15808fs)

Genes: TTN (titin; minus strand), TTN-AS1 (TTN antisense RNA 1; plus strand). Cytogenetic location: 2q31.2.
Variant type: Indel.
Coding change: c.47422_47424delinsTCTATCAGGTGGG on transcript NM_001267550.2 (MANE Select); coding-DNA positions 47422 to 47424, GCC replaced by TCTATCAGGTGGG.
Protein change: p.Ala15808fs; shifts the reading frame from alanine 15808.
Molecular consequence: frameshift variant.
Genome position (GRCh38, 1-based): chr2:178,617,927-178,617,929, GGC replaced by CCCACCTGATAGA on the plus strand (GCC replaced by TCTATCAGGTGGG on the coding strand, the reverse complement: TTN is on the minus strand). VCF-style: chr2-178617927-GGC-CCCACCTGATAGA. GRCh37 (hg19) VCF-style: chr2-179482654-GGC-CCCACCTGATAGA.
Other names: c.20803_20805delinsTCTATCAGGTGGG, p.Ala6935fs (NM_133437.4); c.42499_42501delinsTCTATCAGGTGGG, p.Ala14167fs (NM_001256850.1); c.20227_20229delinsTCTATCAGGTGGG, p.Ala6743fs (NM_003319.4); c.39718_39720delinsTCTATCAGGTGGG, p.Ala13240fs (NM_133378.4); c.20602_20604delinsTCTATCAGGTGGG, p.Ala6868fs (NM_133432.3); short protein forms A13240fs, A14167fs, A15808fs, A6743fs, A6868fs, A6935fs.
Identifiers: ClinVar variation 4852178 (VCV004852178.1).

ClinVar aggregate classification (germline): Likely pathogenic (1 of 4 stars; one submission).

Conditions:
Dilated cardiomyopathy 1G (CMD1G). Identifiers: Orphanet 154, MedGen C1858763, MONDO:0011400, OMIM 604145.

Submission:

Variantyx, Inc.
Classification: Likely pathogenic for Dilated cardiomyopathy 1G. Last evaluated: 2025-10-29. Review status: criteria provided, single submitter. Criteria: Variantyx Assertion Criteria 2022. Collection method: clinical testing. Allele origin: germline. Inheritance: Autosomal dominant inheritance. Affected: yes.
Comment: This is a frameshift variant in the TTN gene (OMIM: 188840). Pathogenic variants in this gene have been associated with autosomal dominant dilated cardiomyopathy 1G. This variant introduces a premature termination codon in exon 253 out of 363 and is expected to result in loss of function, which is a known disease mechanism for TTN in this disorder (PMID: 36637017, 22335739) (PVS1). This variant is absent from control populations (PM2 and it has not been reported in individuals with TTN-related disorders in the databases available for review. Based on the current evidence, this variant is classified as likely pathogenic for autosomal dominant dilated cardiomyopathy 1G.

Literature cited by the submitters: PubMed 36637017; PubMed 22335739.